The following is an entry in ClinVar:

ClinVar aggregate classification (germline): Uncertain significance. Review status: criteria provided, multiple submitters, no conflicts (2 of 4 stars). 3 submissions from 3 submitters: Uncertain significance (3). Last evaluated 2024-07-16.

Conditions:
Hereditary cancer-predisposing syndrome. Also called: Hereditary Cancer Syndrome; Neoplastic Syndromes, Hereditary; Tumor predisposition; Hereditary neoplastic syndrome. Identifiers: Orphanet 140162, MedGen C0027672, MeSH D009386, MONDO:0015356.
Hereditary breast ovarian cancer syndrome. Also called: Breast and ovarian cancer; Hereditary breast and/or ovarian cancer syndrome; Hereditary breast and ovarian cancer; Hereditary breast and ovarian cancer syndrome (HBOC); BRCA1- and BRCA2-Associated Hereditary Breast and Ovarian Cancer; Hereditary breast and ovarian cancer syndrome. Identifiers: Orphanet 145, MedGen C0677776, MeSH D061325, MONDO:0003582. Disease mechanism: loss of function.

Submissions (3):

Quest Diagnostics Nichols Institute San Juan Capistrano
Classification: Uncertain significance. Last evaluated: 2024-07-16. Review status: criteria provided, single submitter. Criteria: Quest Diagnostics criteria. Collection method: clinical testing. Allele origin: unknown.
Comment: The BRCA2 c.1701_1703del (p.Thr568del) variant has not been reported in individuals with BRCA2-related conditions in the published literature. It also has not been reported in large, multi-ethnic general populations (Genome Aggregation Database). Based on the available information, we are unable to determine the clinical significance of this variant.

Labcorp Genetics (formerly Invitae), Labcorp
Classification: Uncertain significance for Hereditary breast ovarian cancer syndrome. Last evaluated: 2020-02-10. Review status: criteria provided, single submitter. Criteria: Invitae Variant Classification Sherloc (09022015). Collection method: clinical testing. Allele origin: germline.
Comment: In summary, the available evidence is currently insufficient to determine the role of this variant in disease. Therefore, it has been classified as a Variant of Uncertain Significance. Experimental studies and prediction algorithms are not available or were not evaluated, and the functional significance of this variant is currently unknown. This variant has not been reported in the literature in individuals with BRCA2-related conditions. ClinVar contains an entry for this variant (Variation ID: 489745). This variant is not present in population databases (ExAC no frequency). This variant, c.1701_1703del, results in the deletion of 1 amino acid(s) of the BRCA2 protein (p.Thr568del), but otherwise preserves the integrity of the reading frame.

Color Diagnostics, LLC DBA Color Health
Classification: Uncertain significance for Hereditary cancer-predisposing syndrome. Last evaluated: 2019-04-20. Review status: criteria provided, single submitter. Criteria: ACMG Guidelines, 2015. Collection method: clinical testing. Allele origin: germline.

NM_000059.4(BRCA2):c.1695CAC[2] (p.Thr568del)

Gene: BRCA2 (BRCA2 DNA repair associated; plus strand). Cytogenetic location: 13q13.1.
Variant type: Microsatellite.
Coding change: c.1695CAC[2] on transcript NM_000059.4 (MANE Select); two copies in a row of the 3-base unit CAC starting at c.1695; the reference has three copies in a row; one copy, 3 bases deleted.
Protein change: p.Thr568del; deletes threonine 568.
Molecular consequence: inframe deletion.
Genome position (GRCh38, 1-based): chr13:32,333,179-32,333,181, CAC deleted; deleting any 3 consecutive bases within chr13:32,333,172-32,333,181 gives the same sequence; the position shown is the placement nearest the transcript's 3' end. VCF-style (leftmost placement, unchanged base first): chr13-32333171-GCCA-G. GRCh37 (hg19) VCF-style: chr13-32907308-GCCA-G.
Other names: c.1701_1703delCAC (NM_000059.3); short protein forms T568del.
Identifiers: ClinVar variation 489745 (VCV000489745.15), dbSNP rs1555282014, ClinGen allele CA658683806.
Genomic context (GRCh38, chr13:32,333,171, plus strand): 5'-GTTTGCTCACAGAAGGAGGACTCCTTATGTCCAAATTTAATTGATAATGGAAGCTGGCCA[GCCA>G]CCACCACACAGAATTCTGTAGCTTTGAAGAATGCAGGTTTAATATCCACTTTGAAAAAGA-3'